The following is an entry in ClinVar:

NM_003628.6(PKP4):c.3556G>C (p.Gly1186Arg)

Genes: PKP4 (plakophilin 4; plus strand), PKP4-AS1 (PKP4 antisense RNA 1; minus strand). Cytogenetic location: 2q24.1.
Variant type: single nucleotide variant.
Coding change: c.3556G>C on transcript NM_003628.6 (MANE Select); coding-DNA position 3556, G replaced by C.
Protein change: p.Gly1186Arg; replaces glycine 1186 with arginine.
Molecular consequence: missense variant.
Genome position (GRCh38, 1-based): chr2:158,680,654, G>C. VCF-style: chr2-158680654-G-C. GRCh37 (hg19) VCF-style: chr2-159537166-G-C.
Other names: c.3427G>C, p.Gly1143Arg (NM_001005476.4, NM_001377225.1); c.3553G>C, p.Gly1185Arg (NM_001304969.3, NM_001377219.1, NM_001377220.1 and 1 more transcripts); c.2527G>C, p.Gly843Arg (NM_001304970.3); c.3556G>C, p.Gly1186Arg (NM_001377218.1); c.3550G>C, p.Gly1184Arg (NM_001377222.1, NM_001377223.1); c.3547G>C, p.Gly1183Arg (NM_001377224.1); c.3424G>C, p.Gly1142Arg (NM_001377226.1); short protein forms G1143R, G1184R, G1185R, G1142R, G1186R, G1183R, G843R.
Identifiers: ClinVar variation 3933377 (VCV003933377.2).

ClinVar aggregate classification (germline): Uncertain significance (1 of 4 stars; one submission).

gnomAD v4.1: 1 of 1,613,056 alleles (0.000062%); highest among the groups gnomAD compares: African/African-American, 0.0013%; no homozygotes.

Submission:

Ambry Genetics
Classification: Uncertain significance. Last evaluated: 2025-09-18. Review status: criteria provided, single submitter. Criteria: Ambry Variant Classification Scheme 2023. Collection method: clinical testing. Allele origin: germline.
Comment: The p.G1186R variant (also known as c.3556G>C), located in coding exon 21 of the PKP4 gene, results from a G to C substitution at nucleotide position 3556. The glycine at codon 1186 is replaced by arginine, an amino acid with dissimilar properties. This amino acid position is conserved. In addition, the in silico prediction for this alteration is inconclusive. Based on the available evidence, the clinical significance of this variant remains unclear.